The following is an entry in ClinVar:

ClinVar aggregate classification (germline): Likely benign. Review status: criteria provided, multiple submitters, no conflicts (2 of 4 stars). 2 submissions from 2 submitters: Likely benign (2). Last evaluated 2024-10-14.

Conditions:
Congenital disorder of glycosylation, type Ii. Also called: CDG Ii; ALG2-CDG; ALG2-congenital disorder of glycosylation. Identifiers: Orphanet 79326, MedGen C1842836, MONDO:0011933, OMIM 607906.
Congenital myasthenic syndrome 14. Also called: Myasthenic syndrome, congenital, 14, with tubular aggregates. Identifiers: Orphanet 353327, Orphanet 590, MedGen C4015597, MONDO:0014543, OMIM 616228.

Allele frequency attached by ClinVar (database versions not stated): TOPMed 0.00003; gnomAD exomes 0.00008 and 0.00002; ExAC 0.00016; gnomAD 0.00001; ESP Exome Variant Server 0.00008.
gnomAD v4.1: 44 of 1,614,100 alleles (0.0027%); highest among the groups gnomAD compares: Non-Finnish European, 0.0031%; no homozygotes.

Submissions (2):

Labcorp Genetics (formerly Invitae), Labcorp
Classification: Likely benign for Congenital disorder of glycosylation, type Ii; Congenital myasthenic syndrome 14. Last evaluated: 2024-10-14. Review status: criteria provided, single submitter. Criteria: Invitae Variant Classification Sherloc (09022015). Collection method: clinical testing. Allele origin: germline.

GeneDx
Classification: Likely benign. Last evaluated: 2017-10-16. Review status: criteria provided, single submitter. Criteria: GeneDx Variant Classification (06012015). Collection method: clinical testing. Allele origin: germline. Affected: yes.
Comment: This variant is considered likely benign or benign based on one or more of the following criteria: it is a conservative change, it occurs at a poorly conserved position in the protein, it is predicted to be benign by multiple in silico algorithms, and/or has population frequency not consistent with disease.

NM_033087.4(ALG2):c.690C>T (p.Ser230=)

Gene: ALG2 (ALG2 alpha-1,3/1,6-mannosyltransferase; minus strand). Cytogenetic location: 9q22.33.
Variant type: single nucleotide variant.
Coding change: c.690C>T on transcript NM_033087.4 (MANE Select); coding-DNA position 690, C replaced by T.
Protein change: p.Ser230=; no amino-acid change (serine 230 retained).
Molecular consequence: synonymous variant. On other transcripts: non-coding transcript variant (1).
Genome position (GRCh38, 1-based): chr9:99,218,495, G>A on the plus strand (C>T on the coding strand, the complement: ALG2 is on the minus strand). VCF-style: chr9-99218495-G-A. GRCh37 (hg19) VCF-style: chr9-101980777-G-A.
Identifiers: ClinVar variation 512410 (VCV000512410.8), dbSNP rs368526201, ClinGen allele CA5156269.
Genomic context (GRCh38, chr9:99,218,495, plus strand): 5'-CAGCTGTACTAGGGCTTCCAGTGCCAAAGTCAGATTTTTCTTCCTTTCGTATCTGTTGAT[G>A]GAGAGCAGCAGGAATTTTTTCCCCTTGGGGACTAGGTCATCCAGCTTTTCAGGAACAACT-3'
Protein context (NP_149078.1, residues 220-240): VPKGKKFLLL[Ser230=]INRYERKKNL